The following is an entry in ClinVar:

ClinVar aggregate classification (germline): Uncertain significance (1 of 4 stars; one submission).

Conditions:
Proteosome-associated autoinflammatory syndrome. Also called: Proteasome-associated autoinflammatory syndrome. Identifiers: Orphanet 324977, MedGen C1850568, MONDO:0009726.

Allele frequency attached by ClinVar (database versions not stated): TOPMed below 0.00001; gnomAD exomes 0.00001.

Submission:

Labcorp Genetics (formerly Invitae), Labcorp
Classification: Uncertain significance for Proteosome-associated autoinflammatory syndrome. Last evaluated: 2019-04-04. Review status: criteria provided, single submitter. Criteria: Invitae Variant Classification Sherloc (09022015). Collection method: clinical testing. Allele origin: germline.
Comment: This sequence change replaces glutamic acid with lysine at codon 188 of the PSMB8 protein (p.Glu188Lys). The glutamic acid residue is weakly conserved and there is a small physicochemical difference between glutamic acid and lysine. This variant is not present in population databases (ExAC no frequency). This variant has not been reported in the literature in individuals with PSMB8-related conditions. Algorithms developed to predict the effect of missense changes on protein structure and function (SIFT, PolyPhen-2, Align-GVGD) all suggest that this variant is likely to be tolerated, but these predictions have not been confirmed by published functional studies and their clinical significance is uncertain. In summary, the available evidence is currently insufficient to determine the role of this variant in disease. Therefore, it has been classified as a Variant of Uncertain Significance.

NM_148919.4(PSMB8):c.562G>A (p.Glu188Lys)

Gene: PSMB8 (proteasome 20S subunit beta 8; minus strand). Cytogenetic location: 6p21.32.
Variant type: single nucleotide variant.
Coding change: c.562G>A on transcript NM_148919.4 (MANE Select); coding-DNA position 562, G replaced by A.
Protein change: p.Glu188Lys; replaces glutamic acid 188 with lysine.
Molecular consequence: missense variant.
Genome position (GRCh38, 1-based): chr6:32,841,711, C>T on the plus strand (G>A on the coding strand, the complement: PSMB8 is on the minus strand). VCF-style: chr6-32841711-C-T. GRCh37 (hg19) VCF-style: chr6-32809488-C-T.
Other names: c.550G>A, p.Glu184Lys (NM_004159.5); short protein forms E188K, E184K.
Identifiers: ClinVar variation 854329 (VCV000854329.10), dbSNP rs1012282076, ClinGen allele CA137007402.